The following is an entry in ClinVar:

NM_012082.4(ZFPM2):c.1276G>T (p.Ala426Ser)

Genes: ZFPM2 (zinc finger protein, FOG family member 2; plus strand), ZFPM2-AS1 (ZFPM2 antisense RNA 1; minus strand). Cytogenetic location: 8q23.1.
Variant type: single nucleotide variant.
Coding change: c.1276G>T on transcript NM_012082.4 (MANE Select); coding-DNA position 1276, G replaced by T.
Protein change: p.Ala426Ser; replaces alanine 426 with serine.
Molecular consequence: missense variant.
Genome position (GRCh38, 1-based): chr8:105,801,358, G>T. VCF-style: chr8-105801358-G-T. GRCh37 (hg19) VCF-style: chr8-106813586-G-T.
Other names: c.1117G>T, p.Ala373Ser (NM_001362836.2); c.880G>T, p.Ala294Ser (NM_001362837.2); short protein forms A294S, A373S, A426S.
Identifiers: ClinVar variation 4848186 (VCV004848186.1).

ClinVar aggregate classification (germline): Uncertain significance (1 of 4 stars; one submission).

gnomAD v4.1: 1 of 1,613,880 alleles (0.000062%); highest among the groups gnomAD compares: Non-Finnish European, 0.000085%; no homozygotes.

Submission:

Women's Health and Genetics/Laboratory Corporation of America, LabCorp
Classification: Uncertain significance. Last evaluated: 2026-02-23. Review status: criteria provided, single submitter. Criteria: LabCorp Variant Classification Summary - May 2015. Collection method: clinical testing. Allele origin: germline.
Comment: Variant summary: ZFPM2 c.1276G>T (p.Ala426Ser) results in a conservative amino acid change in the encoded protein sequence. Algorithms developed to predict the effect of missense changes on protein structure and function are either unavailable or do not agree on the potential impact of this missense change. The variant was absent in 248830 control chromosomes. The available data on variant occurrences in the general population are insufficient to allow any conclusion about variant significance. To our knowledge, no occurrence of c.1276G>T in individuals affected with ZFPM2-related conditions and no experimental evidence demonstrating its impact on protein function have been reported. No submitters have cited clinical-significance assessments for this variant to ClinVar. Based on the evidence outlined above, the variant was classified as uncertain significance.